The following is an entry in ClinVar:

NM_006031.6(PCNT):c.1259G>A (p.Arg420His)

Gene: PCNT (pericentrin; plus strand). Cytogenetic location: 21q22.3.
Variant type: single nucleotide variant.
Coding change: c.1259G>A on transcript NM_006031.6 (MANE Select); coding-DNA position 1259, G replaced by A.
Protein change: p.Arg420His; replaces arginine 420 with histidine.
Molecular consequence: missense variant.
Genome position (GRCh38, 1-based): chr21:46,349,735, G>A. VCF-style: chr21-46349735-G-A. GRCh37 (hg19) VCF-style: chr21-47769649-G-A.
Other names: c.1259G>A (NM_006031.5); c.905G>A, p.Arg302His (NM_001315529.2); short protein forms R302H, R420H.
Identifiers: ClinVar variation 1978821 (VCV001978821.2), dbSNP rs572972877, ClinGen allele CA10078563.

ClinVar aggregate classification (germline): Uncertain significance. Review status: criteria provided, multiple submitters, no conflicts (2 of 4 stars). 2 submissions from 2 submitters: Uncertain significance (2). Last evaluated 2024-12-13.

Conditions:
PCNT-related disorder. Also called: PCNT-related condition.

Allele frequency attached by ClinVar (database versions not stated): TOPMed 0.00001; gnomAD 0.00003; gnomAD exomes 0.00003; ExAC 0.00008; 1000 Genomes Project 30x 0.00031; 1000 Genomes Project 0.00040.

Submissions (2):

PreventionGenetics, part of Exact Sciences
Classification: Uncertain significance for PCNT-related condition. Last evaluated: 2024-12-13. Review status: criteria provided, single submitter. Criteria: ACMG Guidelines, 2015. Collection method: clinical testing. Allele origin: germline.
Comment: The PCNT c.1259G>A variant is predicted to result in the amino acid substitution p.Arg420His. To our knowledge, this variant has not been reported in the literature. This variant is reported in 0.039% of alleles in individuals of South Asian descent in gnomAD. At this time, the clinical significance of this variant is uncertain due to the absence of conclusive functional and genetic evidence.

Labcorp Genetics (formerly Invitae), Labcorp
Classification: Uncertain significance. Last evaluated: 2022-05-03. Review status: criteria provided, single submitter. Criteria: Invitae Variant Classification Sherloc (09022015). Collection method: clinical testing. Allele origin: germline.
Comment: This sequence change replaces arginine, which is basic and polar, with histidine, which is basic and polar, at codon 420 of the PCNT protein (p.Arg420His). This variant is present in population databases (rs572972877, gnomAD 0.05%). This variant has not been reported in the literature in individuals affected with PCNT-related conditions. Algorithms developed to predict the effect of missense changes on protein structure and function output the following: SIFT: "Tolerated"; PolyPhen-2: "Benign"; Align-GVGD: "Class C0". The histidine amino acid residue is found in multiple mammalian species, which suggests that this missense change does not adversely affect protein function. In summary, the available evidence is currently insufficient to determine the role of this variant in disease. Therefore, it has been classified as a Variant of Uncertain Significance.